The following is an entry in ClinVar:

ClinVar aggregate classification (germline): Conflicting classifications of pathogenicity. Review status: criteria provided, conflicting classifications (1 of 4 stars). 4 submissions from 4 submitters: Uncertain significance (2); Likely benign (1). 1 of the submissions does not count toward it. Last evaluated 2025-01-28.

Conditions:
Polycystic kidney disease, adult type (PKD1). Also called: POLYCYSTIC KIDNEY DISEASE 1 WITH OR WITHOUT POLYCYSTIC LIVER DISEASE; Polycystic Kidney Disease 1, Autosomal Dominant; Polycystic kidney disease 1; Polycystic kidney disease 1, severe; Polycystic Kidney, Autosomal Dominant; POLYCYSTIC KIDNEY DISEASE, ADULT, TYPE I. Identifiers: MedGen C3149841, MONDO:0008263, OMIM 173900.
Inborn genetic diseases. Identifiers: MedGen C0950123, MeSH D030342.
PKD1-related disorder. Also called: PKD1-related condition.

Allele frequency attached by ClinVar (database versions not stated): gnomAD exomes below 0.00001; ExAC 0.00001; gnomAD 0.00003; TOPMed 0.00003.
gnomAD v4.1: 11 of 1,608,232 alleles (0.00068%); highest among the groups gnomAD compares: African/African-American, 0.0094%; no homozygotes.

Submissions (4):

Ambry Genetics
Classification: Likely benign for Inborn genetic diseases. Last evaluated: 2025-01-28. Review status: criteria provided, single submitter. Criteria: Ambry Variant Classification Scheme 2023. Collection method: clinical testing. Allele origin: germline.

Fulgent Genetics
Classification: Uncertain significance for Polycystic kidney disease, adult type. Last evaluated: 2024-04-26. Review status: criteria provided, single submitter. Criteria: ACMG Guidelines, 2015. Collection method: clinical testing. Allele origin: germline.

Greenwood Genetic Center Diagnostic Laboratories, Greenwood Genetic Center
Classification: Uncertain significance. Last evaluated: 2023-07-28. Review status: criteria provided, single submitter. Criteria: ACMG Guidelines, 2015. Collection method: clinical testing. Allele origin: germline. Affected: yes.
Comment: BP4

PreventionGenetics, part of Exact Sciences
Classification: Uncertain significance for PKD1-related condition. Last evaluated: 2024-03-07. Review status: no assertion criteria provided. Collection method: clinical testing. Allele origin: germline. Not counted in ClinVar's aggregate classification.
Comment: The PKD1 c.9707C>T variant is predicted to result in the amino acid substitution p.Ala3236Val. To our knowledge, this variant has not been reported in the literature. This variant is reported in 0.013% of alleles in individuals of African descent in gnomAD. At this time, the clinical significance of this variant is uncertain due to the absence of conclusive functional and genetic evidence.

NM_001009944.3(PKD1):c.9707C>T (p.Ala3236Val)

Gene: PKD1 (polycystin 1, transient receptor potential channel interacting; minus strand). Cytogenetic location: 16p13.3.
Variant type: single nucleotide variant.
Coding change: c.9707C>T on transcript NM_001009944.3 (MANE Select); coding-DNA position 9707, C replaced by T.
Protein change: p.Ala3236Val; replaces alanine 3236 with valine.
Molecular consequence: missense variant.
Genome position (GRCh38, 1-based): chr16:2,100,171, G>A on the plus strand (C>T on the coding strand, the complement: PKD1 is on the minus strand). VCF-style: chr16-2100171-G-A. GRCh37 (hg19) VCF-style: chr16-2150172-G-A.
Other names: c.9707C>T, p.Ala3236Val (NM_000296.4); c.9707C>T (NM_000296.3); short protein forms A3236V.
Identifiers: ClinVar variation 2627008 (VCV002627008.5), dbSNP rs779137772, ClinGen allele CA7829971.